The following is an entry in ClinVar:

ClinVar aggregate classification (germline): Conflicting classifications of pathogenicity. Review status: criteria provided, conflicting classifications (1 of 4 stars). 4 submissions from 4 submitters: Uncertain significance (3); Benign (1). Last evaluated 2025-10-29.

Conditions:
Primary ciliary dyskinesia. Also called: Ciliary dyskinesia. Identifiers: Orphanet 244, MedGen C0008780, MONDO:0016575, HP:0012265.

Allele frequency attached by ClinVar (database versions not stated): ExAC 0.00002; gnomAD 0.00002 and 0.00003; TOPMed 0.00005; 1000 Genomes Project 30x 0.00016; 1000 Genomes Project 0.00020.
gnomAD v4.1: 49 of 1,613,226 alleles (0.003%); highest among the groups gnomAD compares: Middle Eastern, 0.099%; no homozygotes.

Submissions (4):

Labcorp Genetics (formerly Invitae), Labcorp
Classification: Benign for Primary ciliary dyskinesia. Last evaluated: 2025-10-29. Review status: criteria provided, single submitter. Criteria: Invitae Variant Classification Sherloc (09022015). Collection method: clinical testing. Allele origin: germline.

Mayo Clinic Laboratories, Mayo Clinic
Classification: Uncertain significance. Last evaluated: 2025-02-07. Review status: criteria provided, single submitter. Criteria: ACMG Guidelines, 2015. Collection method: clinical testing. Allele origin: germline. Observed: 1 variant allele.
Comment: BP4_moderate, PM2_supporting

GeneDx
Classification: Uncertain significance. Last evaluated: 2024-10-28. Review status: criteria provided, single submitter. Criteria: GeneDx Variant Classification Process June 2021. Collection method: clinical testing. Allele origin: germline. Affected: yes.
Comment: Reported in a cohort of individuals with PCD (PMID: 34768622); In silico analysis indicates that this missense variant does not alter protein structure/function; This variant is associated with the following publications: (PMID: 34768622)

Ambry Genetics
Classification: Uncertain significance for Primary ciliary dyskinesia. Last evaluated: 2022-04-06. Review status: criteria provided, single submitter. Criteria: Ambry Variant Classification Scheme 2023. Collection method: clinical testing. Allele origin: germline.

NM_001277115.2(DNAH11):c.2887A>G (p.Arg963Gly)

Gene: DNAH11 (dynein axonemal heavy chain 11; plus strand). Cytogenetic location: 7p15.3.
Variant type: single nucleotide variant.
Coding change: c.2887A>G on transcript NM_001277115.2 (MANE Select); coding-DNA position 2887, A replaced by G.
Protein change: p.Arg963Gly; replaces arginine 963 with glycine.
Molecular consequence: missense variant.
Genome position (GRCh38, 1-based): chr7:21,600,006, A>G. VCF-style: chr7-21600006-A-G. GRCh37 (hg19) VCF-style: chr7-21639624-A-G.
Other names: p.Arg963Gly; short protein forms R963G.
Identifiers: ClinVar variation 850396 (VCV000850396.12), dbSNP rs185803317, ClinGen allele CA4179458.